The following is an entry in ClinVar:

ClinVar aggregate classification (germline): Uncertain significance. Review status: criteria provided, multiple submitters, no conflicts (2 of 4 stars). 3 submissions from 3 submitters: Uncertain significance (3). Last evaluated 2025-05-05.

Conditions:
Progressive myoclonic epilepsy. Also called: Familial progressive myoclonic epilepsy; Myoclonic Epilepsies, Progressive; Myoclonus epilepsy; Progressive myoclonus epilepsy. Identifiers: Orphanet 308, Orphanet 98261, MedGen C0751778, MONDO:0020074.
Inborn genetic diseases. Identifiers: MedGen C0950123, MeSH D030342.

Allele frequency attached by ClinVar (database versions not stated): gnomAD exomes below 0.00001; ExAC 0.00001; gnomAD 0.00001; TOPMed 0.00002; 1000 Genomes Project 30x 0.00016; 1000 Genomes Project 0.00020.
gnomAD v4.1: 3 of 1,613,812 alleles (0.00019%); highest among the groups gnomAD compares: African/African-American, 0.004%; no homozygotes.

Submissions (3):

Ambry Genetics
Classification: Uncertain significance for Inborn genetic diseases. Last evaluated: 2025-05-05. Review status: criteria provided, single submitter. Criteria: Ambry Variant Classification Scheme 2023. Collection method: clinical testing. Allele origin: germline.

Labcorp Genetics (formerly Invitae), Labcorp
Classification: Uncertain significance for Progressive myoclonic epilepsy. Last evaluated: 2022-09-01. Review status: criteria provided, single submitter. Criteria: Invitae Variant Classification Sherloc (09022015). Collection method: clinical testing. Allele origin: germline.
Comment: This sequence change replaces asparagine, which is neutral and polar, with isoleucine, which is neutral and non-polar, at codon 52 of the CSTB protein (p.Asn52Ile). This variant is present in population databases (rs541671661, gnomAD 0.007%). This variant has not been reported in the literature in individuals affected with CSTB-related conditions. ClinVar contains an entry for this variant (Variation ID: 205327). Algorithms developed to predict the effect of missense changes on protein structure and function are either unavailable or do not agree on the potential impact of this missense change (SIFT: "Deleterious"; PolyPhen-2: "Possibly Damaging"; Align-GVGD: "Class C15"). In summary, the available evidence is currently insufficient to determine the role of this variant in disease. Therefore, it has been classified as a Variant of Uncertain Significance.

GeneDx
Classification: Uncertain significance. Last evaluated: 2014-12-16. Review status: criteria provided, single submitter. Criteria: GeneDx Variant Classification (06012015). Collection method: clinical testing. Allele origin: germline. Affected: yes.
Comment: p.Asn52Ile (AAC>ATC): c.155 A>T in exon 2 of the CSTB gene (NM_000100.2). The N52I variant has not been published as a mutation, nor has it been reported as a benign polymorphism to our knowledge. It was not observed in approximately 6,500 individuals of European and African American ancestry in the NHLBI Exome Sequencing Project, indicating it is not a common benign variant in these populations. The N52I variant is a non-conservative amino acid substitution, which is likely to impact secondary protein structure as these residues differ in polarity, charge, size and/or other properties. This substitution alters a conserved position and in silico analysis predicts this variant is probably damaging to the protein structure/function. Based on the currently available information, it is unclear whether this variant is a pathogenic mutation or a rare benign variant. The variant is found in EPILEPSY panel(s).

NM_000100.4(CSTB):c.155A>T (p.Asn52Ile)

Gene: CSTB (cystatin B; minus strand). Cytogenetic location: 21q22.3.
Variant type: single nucleotide variant.
Coding change: c.155A>T on transcript NM_000100.4 (MANE Select); coding-DNA position 155, A replaced by T.
Protein change: p.Asn52Ile; replaces asparagine 52 with isoleucine.
Molecular consequence: missense variant.
Genome position (GRCh38, 1-based): chr21:43,774,671, T>A on the plus strand (A>T on the coding strand, the complement: CSTB is on the minus strand). VCF-style: chr21-43774671-T-A. GRCh37 (hg19) VCF-style: chr21-45194552-T-A.
Other names: p.N52I:AAC>ATC; short protein forms N52I.
Identifiers: ClinVar variation 205327 (VCV000205327.10), dbSNP rs541671661, ClinGen allele CA314292.